The following is an entry in ClinVar:

ClinVar aggregate classification (germline): Benign/Likely benign. Review status: criteria provided, multiple submitters, no conflicts (2 of 4 stars). 5 submissions from 5 submitters: Benign (4); Likely benign (1). Last evaluated 2023-11-29.

Conditions:
Autoinflammatory syndrome. Identifiers: Orphanet 93665, MedGen C3890737, MONDO:0019751.
Pyogenic arthritis-pyoderma gangrenosum-acne syndrome (PAPA). Also called: FAMILIAL RECURRENT ARTHRITIS; PAPA SYNDROME. Identifiers: Orphanet 69126, MedGen C1858361, MONDO:0011462, OMIM 604416.

Allele frequency attached by ClinVar (database versions not stated): 1000 Genomes Project 30x 0.00125; 1000 Genomes Project 0.00140; ESP Exome Variant Server 0.00292; gnomAD exomes 0.00317; gnomAD 0.00332 and 0.00346; ExAC 0.00341; TOPMed 0.00342.
gnomAD v4.1: 6,919 of 1,563,302 alleles (0.44%); highest among the groups gnomAD compares: Non-Finnish European, 0.52%; 21 homozygotes.

Submissions (5):

ARUP Laboratories, Molecular Genetics and Genomics, ARUP Laboratories
Classification: Benign for Pyogenic arthritis-pyoderma gangrenosum-acne syndrome. Last evaluated: 2023-11-29. Review status: criteria provided, single submitter. Criteria: ARUP Molecular Germline Variant Investigation Process 2024. Collection method: clinical testing. Allele origin: germline.

Illumina Laboratory Services, Illumina
Classification: Benign for Pyogenic arthritis-pyoderma gangrenosum-acne syndrome. Last evaluated: 2018-01-13. Review status: criteria provided, single submitter. Criteria: ICSL Variant Classification Criteria 13 December 2019. Collection method: clinical testing. Allele origin: germline.
Comment: This variant was observed in the ICSL laboratory as part of a predisposition screen in an ostensibly healthy population. It had not been previously curated by ICSL or reported in the Human Gene Mutation Database (HGMD: prior to June 1st, 2018), and was therefore a candidate for classification through an automated scoring system. Utilizing variant allele frequency, disease prevalence and penetrance estimates, and inheritance mode, an automated score was calculated to assess if this variant is too frequent to cause the disease. Based on the score and internal cut-off values, a variant classified as benign is not then subjected to further curation. The score for this variant resulted in a classification of benign for this disease.

Genome Diagnostics Laboratory, The Hospital for Sick Children
Classification: Likely benign for Autoinflammatory syndrome. Last evaluated: 2017-01-16. Review status: criteria provided, single submitter. Criteria: ACMG Guidelines, 2015. Collection method: clinical testing. Allele origin: germline. Affected: yes.

GeneDx
Classification: Benign. Last evaluated: 2015-03-03. Review status: criteria provided, single submitter. Criteria: GeneDx Variant Classification Process June 2021. Collection method: clinical testing. Allele origin: germline. Affected: yes.

Breakthrough Genomics
Classification: Benign. Review status: criteria provided, single submitter. Criteria: ACMG Guidelines, 2015. Collection method: not provided. Allele origin: germline. Inheritance: Autosomal dominant inheritance. Affected: yes.

NM_003978.5(PSTPIP1):c.*38T>C

Gene: PSTPIP1 (proline-serine-threonine phosphatase interacting protein 1; plus strand). Cytogenetic location: 15q24.3.
Variant type: single nucleotide variant.
Coding change: c.*38T>C on transcript NM_003978.5 (MANE Select); 38 bases downstream of the stop codon, T replaced by C.
Molecular consequence: 3 prime UTR variant. On other transcripts: non-coding transcript variant (1).
Genome position (GRCh38, 1-based): chr15:77,037,214, T>C. VCF-style: chr15-77037214-T-C. GRCh37 (hg19) VCF-style: chr15-77329555-T-C.
Other names: c.*38T>C (NM_001321135.2, NM_001321136.2, NM_001321137.1).
Identifiers: ClinVar variation 317190 (VCV000317190.19), dbSNP rs201535027, ClinGen allele CA7676250.